The following is an entry in ClinVar:

ClinVar aggregate classification (germline): Uncertain significance. Review status: criteria provided, multiple submitters, no conflicts (2 of 4 stars). 4 submissions from 4 submitters: Uncertain significance (4). Last evaluated 2025-05-12.

Conditions:
Hereditary cancer-predisposing syndrome. Also called: Hereditary Cancer Syndrome; Tumor predisposition; Hereditary neoplastic syndrome; Neoplastic Syndromes, Hereditary. Identifiers: Orphanet 140162, MedGen C0027672, MeSH D009386, MONDO:0015356.
Familial cancer of breast. Also called: hereditary breast carcinoma; Hereditary breast cancer; BREAST CANCER, FAMILIAL. Identifiers: Orphanet 227535, MedGen C0346153, MONDO:0016419, OMIM 114480. Disease mechanism: loss of function.
Fanconi anemia complementation group J. Also called: BRIP1-Related Fanconi Anemia. Identifiers: Orphanet 84, MedGen C1836860, MONDO:0012187, OMIM 609054.

Submissions (4):

Labcorp Genetics (formerly Invitae), Labcorp
Classification: Uncertain significance for Familial cancer of breast; Fanconi anemia complementation group J. Last evaluated: 2025-05-12. Review status: criteria provided, single submitter. Criteria: Invitae Variant Classification Sherloc (09022015). Collection method: clinical testing. Allele origin: germline.
Comment: This sequence change replaces glutamine, which is neutral and polar, with proline, which is neutral and non-polar, at codon 255 of the BRIP1 protein (p.Gln255Pro). This variant is not present in population databases (gnomAD no frequency). This variant has not been reported in the literature in individuals affected with BRIP1-related conditions. ClinVar contains an entry for this variant (Variation ID: 1063703). Invitae Evidence Modeling of protein sequence and biophysical properties (such as structural, functional, and spatial information, amino acid conservation, physicochemical variation, residue mobility, and thermodynamic stability) has been performed for this missense variant. However, the output from this modeling did not meet the statistical confidence thresholds required to predict the impact of this variant on BRIP1 protein function. In summary, the available evidence is currently insufficient to determine the role of this variant in disease. Therefore, it has been classified as a Variant of Uncertain Significance.

Ambry Genetics
Classification: Uncertain significance for Hereditary cancer-predisposing syndrome. Last evaluated: 2024-04-10. Review status: criteria provided, single submitter. Criteria: Ambry Variant Classification Scheme 2023. Collection method: clinical testing. Allele origin: germline.
Comment: The p.Q255P variant (also known as c.764A>C), located in coding exon 6 of the BRIP1 gene, results from an A to C substitution at nucleotide position 764. The glutamine at codon 255 is replaced by proline, an amino acid with similar properties. This amino acid position is highly conserved in available vertebrate species. In addition, this alteration is predicted to be deleterious by in silico analysis. Based on the available evidence, the clinical significance of this variant remains unclear.

Sema4
Classification: Uncertain significance for Hereditary cancer-predisposing syndrome. Last evaluated: 2021-11-15. Review status: criteria provided, single submitter. Criteria: Sema4 Curation Guidelines. Collection method: curation. Allele origin: germline.
Comment: The BRIP1 c.764A>C (p.Q255P) variant has not been reported in the literature to our knowledge. It was not observed in the large and broad cohorts of the Genome Aggregation Database, but has been reported in ClinVar (Variation ID 1063703). In silico tools suggest the impact of the variant on protein function is deleterious, though these predictions have not been confirmed by functional studies. The evidence is insufficient to meet ACMG/AMP criteria for classifying the variant as benign or pathogenic. Thus, the clinical significance of this variant is currently uncertain.

Blueprint Genetics
Classification: Uncertain significance. Last evaluated: 2018-08-02. Review status: criteria provided, single submitter. Criteria: ACMG Guidelines, 2015. Collection method: clinical testing. Allele origin: germline.

NM_032043.3(BRIP1):c.764A>C (p.Gln255Pro)

Gene: BRIP1 (BRCA1 interacting DNA helicase 1; minus strand). Cytogenetic location: 17q23.2.
Variant type: single nucleotide variant.
Coding change: c.764A>C on transcript NM_032043.3 (MANE Select); coding-DNA position 764, A replaced by C.
Protein change: p.Gln255Pro; replaces glutamine 255 with proline.
Molecular consequence: missense variant.
Genome position (GRCh38, 1-based): chr17:61,808,621, T>G on the plus strand (A>C on the coding strand, the complement: BRIP1 is on the minus strand). VCF-style: chr17-61808621-T-G. GRCh37 (hg19) VCF-style: chr17-59885982-T-G.
Other names: short protein forms Q255P.
Identifiers: ClinVar variation 1063703 (VCV001063703.12), dbSNP rs1567838107, ClinGen allele CA400484959.